The following is an entry in ClinVar:

NM_000038.6(APC):c.2008A>G (p.Lys670Glu)

Gene: APC (APC regulator of Wnt signaling pathway; plus strand). Cytogenetic location: 5q22.2.
Variant type: single nucleotide variant.
Coding change: c.2008A>G on transcript NM_000038.6 (MANE Select); coding-DNA position 2008, A replaced by G.
Protein change: p.Lys670Glu; replaces lysine 670 with glutamic acid.
Molecular consequence: missense variant.
Genome position (GRCh38, 1-based): chr5:112,837,602, A>G. VCF-style: chr5-112837602-A-G. GRCh37 (hg19) VCF-style: chr5-112173299-A-G.
Other names: c.2008A>G, p.Lys670Glu (NM_001127510.3, NM_001354895.2); c.1954A>G, p.Lys652Glu (NM_001127511.3); c.2062A>G, p.Lys688Glu (NM_001354896.2); c.2038A>G, p.Lys680Glu (NM_001354897.2); c.1933A>G, p.Lys645Glu (NM_001354898.2); c.1924A>G, p.Lys642Glu (NM_001354899.2); c.1885A>G, p.Lys629Glu (NM_001354900.2); c.1831A>G, p.Lys611Glu (NM_001354901.2); and 5 more; short protein forms K688E, K387E, K544E, K579E, K642E, K611E, K629E, K645E.
Identifiers: ClinVar variation 971811 (VCV000971811.11), dbSNP rs1765088770, ClinGen allele CA16025706.
Genomic context (GRCh38, chr5:112,837,602, plus strand): 5'-TTTTATTTCAGGCAAATCCTAAGAGAGAACAACTGTCTACAAACTTTATTACAACACTTA[A>G]AATCTCATAGTTTGACAATAGTCAGTAATGCATGTGGAACTTTGTGGAATCTCTCAGCAA-3'
Protein context (NP_000029.2, residues 660-680): NCLQTLLQHL[Lys670Glu]SHSLTIVSNA

ClinVar aggregate classification (germline): Uncertain significance (1 of 4 stars; one submission).

Conditions:
Familial adenomatous polyposis 1 (FAP1). Also called: FAMILIAL ADENOMATOUS POLYPOSIS 1, ATTENUATED; POLYPOSIS, ADENOMATOUS INTESTINAL. Identifiers: MedGen C2713442, MONDO:0021056, OMIM 175100. Disease mechanism: loss of function.

Allele frequency attached by ClinVar (database versions not stated): gnomAD exomes below 0.00001.
gnomAD v4.1: 3 of 1,612,570 alleles (0.00019%); highest among the groups gnomAD compares: Non-Finnish European, 0.00025%; no homozygotes.

Submission:

Labcorp Genetics (formerly Invitae), Labcorp
Classification: Uncertain significance for Familial adenomatous polyposis 1. Last evaluated: 2019-10-29. Review status: criteria provided, single submitter. Criteria: Invitae Variant Classification Sherloc (09022015). Collection method: clinical testing. Allele origin: germline.
Comment: Algorithms developed to predict the effect of missense changes on protein structure and function are either unavailable or do not agree on the potential impact of this missense change (SIFT: "Deleterious"; PolyPhen-2: "Probably Damaging"; Align-GVGD: "Class C15"). This variant has not been reported in the literature in individuals with APC-related conditions. This variant is not present in population databases (ExAC no frequency). This sequence change replaces lysine with glutamic acid at codon 670 of the APC protein (p.Lys670Glu). The lysine residue is highly conserved and there is a small physicochemical difference between lysine and glutamic acid. Algorithms developed to predict the effect of sequence changes on RNA splicing suggest that this variant may create or strengthen a splice site, but this prediction has not been confirmed by published transcriptional studies. In summary, the available evidence is currently insufficient to determine the role of this variant in disease. Therefore, it has been classified as a Variant of Uncertain Significance.